The following is an entry in ClinVar:

NM_023067.4(FOXL2):c.506C>G (p.Ala169Gly)

Gene: FOXL2 (forkhead box L2; minus strand). Cytogenetic location: 3q22.3.
Variant type: single nucleotide variant.
Coding change: c.506C>G on transcript NM_023067.4 (MANE Select); coding-DNA position 506, C replaced by G.
Protein change: p.Ala169Gly; replaces alanine 169 with glycine.
Molecular consequence: missense variant.
Genome position (GRCh38, 1-based): chr3:138,946,217, G>C on the plus strand (C>G on the coding strand, the complement: FOXL2 is on the minus strand). VCF-style: chr3-138946217-G-C. GRCh37 (hg19) VCF-style: chr3-138665059-G-C.
Other names: short protein forms A169G.
Identifiers: ClinVar variation 2032176 (VCV002032176.4), dbSNP rs1935966325, ClinGen allele CA354705909.

ClinVar aggregate classification (germline): Uncertain significance (1 of 4 stars; one submission).

Submission:

Labcorp Genetics (formerly Invitae), Labcorp
Classification: Uncertain significance. Last evaluated: 2024-04-22. Review status: criteria provided, single submitter. Criteria: Invitae Variant Classification Sherloc (09022015). Collection method: clinical testing. Allele origin: germline.
Comment: This sequence change replaces alanine, which is neutral and non-polar, with glycine, which is neutral and non-polar, at codon 169 of the FOXL2 protein (p.Ala169Gly). This variant is not present in population databases (gnomAD no frequency). This variant has not been reported in the literature in individuals affected with FOXL2-related conditions. ClinVar contains an entry for this variant (Variation ID: 2032176). An algorithm developed to predict the effect of missense changes on protein structure and function (PolyPhen-2) suggests that this variant is likely to be tolerated. In summary, the available evidence is currently insufficient to determine the role of this variant in disease. Therefore, it has been classified as a Variant of Uncertain Significance.